The following is an entry in ClinVar:

ClinVar aggregate classification (germline): Likely benign. Review status: criteria provided, multiple submitters, no conflicts (2 of 4 stars). 3 submissions from 3 submitters: Likely benign (3). Last evaluated 2024-01-15.

Conditions:
Mitochondrial complex I deficiency, nuclear type 6. Also called: Mitochondrial complex 1 deficiency, nuclear type 6. Identifiers: MedGen C4748759, MONDO:0032611, OMIM 618228.

Allele frequency attached by ClinVar (database versions not stated): gnomAD exomes below 0.00001 and 0.00002; ExAC 0.00002; gnomAD 0.00004 and 0.00005; TOPMed 0.00005.

Submissions (3):

Labcorp Genetics (formerly Invitae), Labcorp
Classification: Likely benign. Last evaluated: 2024-01-15. Review status: criteria provided, single submitter. Criteria: Invitae Variant Classification Sherloc (09022015). Collection method: clinical testing. Allele origin: germline.

Genome-Nilou Lab
Classification: Likely benign for Mitochondrial complex I deficiency, nuclear type 6. Last evaluated: 2023-04-11. Review status: criteria provided, single submitter. Criteria: ACMG Guidelines, 2015. Collection method: clinical testing. Allele origin: germline. Affected: no.

GeneDx
Classification: Likely benign. Last evaluated: 2016-03-22. Review status: criteria provided, single submitter. Criteria: GeneDx Variant Classification (06012015). Collection method: clinical testing. Allele origin: germline. Affected: yes.
Comment: This variant is considered likely benign or benign based on one or more of the following criteria: it is a conservative change, it occurs at a poorly conserved position in the protein, it is predicted to be benign by multiple in silico algorithms, and/or has population frequency not consistent with disease.

NM_001377299.1(NDUFS2):c.1355-7C>T

Gene: NDUFS2 (NADH:ubiquinone oxidoreductase core subunit S2; plus strand). Cytogenetic location: 1q23.3.
Variant type: single nucleotide variant.
Coding change: c.1355-7C>T on transcript NM_001377299.1 (MANE Select); 7 bases into the intron before coding-DNA position 1355, C replaced by T.
Molecular consequence: intron variant. On other transcripts: 3 prime UTR variant (3), non-coding transcript variant (1).
Genome position (GRCh38, 1-based): chr1:161,214,149, C>T. VCF-style: chr1-161214149-C-T. GRCh37 (hg19) VCF-style: chr1-161183939-C-T.
Other names: c.*208C>T (NM_001377301.1, NM_001166159.2, NM_001377300.1); c.1355-7C>T (NM_001377298.1, NM_004550.5); c.*6-7C>T (NM_001377302.1).
Identifiers: ClinVar variation 384278 (VCV000384278.6), dbSNP rs749095282, ClinGen allele CA1208874.